The following is an entry in ClinVar:

ClinVar aggregate classification (germline): Likely pathogenic (1 of 4 stars; one submission).

Conditions:
Dyskeratosis congenita. Identifiers: Orphanet 1775, MedGen C0265965, MONDO:0015780.

Submission:

Labcorp Genetics (formerly Invitae), Labcorp
Classification: Likely pathogenic for Dyskeratosis congenita. Last evaluated: 2021-02-18. Review status: criteria provided, single submitter. Criteria: Invitae Variant Classification Sherloc (09022015). Collection method: clinical testing. Allele origin: germline.
Comment: This sequence change affects a donor splice site in intron 1 of the CTC1 gene. It is expected to disrupt RNA splicing. Variants that disrupt the donor or acceptor splice site typically lead to a loss of protein function (PMID: 16199547), and loss-of-function variants in CTC1 are known to be pathogenic (PMID: 22267198, 22387016). This variant is not present in population databases (ExAC no frequency). This variant has not been reported in the literature in individuals with CTC1-related conditions. Algorithms developed to predict the effect of sequence changes on RNA splicing suggest that this variant may disrupt the consensus splice site, but this prediction has not been confirmed by published transcriptional studies. In summary, the currently available evidence indicates that the variant is pathogenic, but additional data are needed to prove that conclusively. Therefore, this variant has been classified as Likely Pathogenic.

Literature cited by the submitters: PubMed 16199547; PubMed 22267198; PubMed 22387016.

NM_025099.6(CTC1):c.33+2T>G

Genes: CTC1 (CST telomere replication complex component 1; minus strand), PFAS (phosphoribosylformylglycinamidine synthase; plus strand). Cytogenetic location: 17p13.1.
Variant type: single nucleotide variant.
Coding change: c.33+2T>G on transcript NM_025099.6 (MANE Select); the canonical splice donor site of the intron after coding-DNA position 33, T replaced by G.
Molecular consequence: splice donor variant.
Genome position (GRCh38, 1-based): chr17:8,248,002, A>C on the plus strand (T>G on the coding strand, the complement: CTC1 is on the minus strand). VCF-style: chr17-8248002-A-C. GRCh37 (hg19) VCF-style: chr17-8151320-A-C.
Other names: c.33+2T>G (NM_001411067.1).
Identifiers: ClinVar variation 1505656 (VCV001505656.8), dbSNP rs2151564155, ClinGen allele CA397999301.